The following continues an entry in ClinVar:

NM_001199107.2(TBC1D24):c.724C>T (p.Arg242Cys)

Gene: TBC1D24. ClinVar aggregate classification (germline): Pathogenic/Likely pathogenic. Pathogenic (9); Likely pathogenic (3).

Submissions 9 to 15 of 15:

Ambry Genetics
Classification: Pathogenic for Inborn genetic diseases. Last evaluated: 2018-11-16. Review status: criteria provided, single submitter. Criteria: Ambry Variant Classification Scheme 2023. Collection method: clinical testing. Allele origin: germline.
Comment: The p.R242C pathogenic mutation (also known as c.724C>T), located in coding exon 1 of the TBC1D24 gene, results from a C to T substitution at nucleotide position 724. The arginine at codon 242 is replaced by cysteine, an amino acid with highly dissimilar properties. This mutation was identified in the homozgous and compound heterozygous states in multiple individuals with DOORS syndrome (deafness, onychodystrophy, osteodystrophy, mental retardation, and seizures syndrome) (Campeau PM et al. Lancet Neurol, 2014 Jan;13:44-58). Two cell lines expressing this mutation demonstrated shorter neurite length compared to wild type (Balestrini S et al. Neurology, 2016 Jul;87:77-85; Finelli MJ et al. Hum. Mol. Genet., 2018 Oct; DOI 10.1093/hmg/ddy370). Based on the supporting evidence, this alteration is interpreted as a disease-causing mutation.

NeuroMeGen, Hospital Clinico Santiago de Compostela
Classification: Likely pathogenic for Developmental and epileptic encephalopathy, 16. Last evaluated: 2018-01-01. Review status: criteria provided, single submitter. Criteria: ACMG Guidelines, 2015. Collection method: clinical testing. Allele origin: germline. Affected: yes. Observed: 1 homozygote.

Lupski Lab, Baylor-Hopkins CMG, Baylor College of Medicine
Classification: Pathogenic for DOORS syndrome. Last evaluated: 2014-01-01. Review status: criteria provided, single submitter. Criteria: Campeau et al. (Lancet Neurol 2014). Collection method: research. Allele origin: germline. Inheritance: Autosomal recessive inheritance. Affected: yes and no. Observed: 16 variant alleles, 9 heterozygotes, 3 compound heterozygotes, 4 homozygotes. Clinical features observed: Bilateral sensorineural hearing impairment (HP:0008619), Seizures (HP:0001250), Intellectual disability (HP:0001249), Abnormality of brain morphology (HP:0012443), Abnormality of the nail (HP:0001597), Triphalangeal thumb (HP:0001199), Abnormality of digit (HP:0011297), Abnormality of the skull (HP:0000929).
Comment: We identified 26 families with DOORS syndrome; each patient had at least 3 of the 5 well-described features of DOORS syndrome, which include deafness, onychodystrophy, osteodystrophy, intellectual disability, and seizures. A combination of whole-exome sequencing and Sanger sequencing identified homozygous or compound heterozygous pathogenic variants in TBC1D24 in 11 individuals from 9 families.

Neuberg Centre For Genomic Medicine, NCGM
Classification: Pathogenic for DOORS syndrome. Review status: criteria provided, single submitter. Criteria: ACMG Guidelines, 2015. Collection method: clinical testing. Allele origin: germline. Affected: yes.
Comment: The missense variant p.R242C in TBC1D24 (NM_001199107.2) has been reported previously in affected individuals with DOORS syndrome (Campeau PM et al). Functional studies reveal a damaging effect (Balestrini S et al). The variant has been submitted to ClinVar as Pathogenic. The p.R242C variant is observed in 1/15,478 (0.0065%) alleles from individuals of African background in gnomAD Exomes and is novel (not in any individuals) in 1000 Genomes. There is a large physicochemical difference between arginine and cysteine, which is likely to impact secondary protein structure as these residues differ in polarity, charge, size and/or other properties. The p.R242C missense variant is predicted to be damaging by both SIFT and PolyPhen2. The arginine residue at codon 242 of TBC1D24 is conserved in all mammalian species. The nucleotide c.724 in TBC1D24 is predicted conserved by GERP++ and PhyloP across 100 vertebrates. For these reasons, this variant has been classified as Pathogenic.

Division of Medical Genetics; Sainte-Justine Hospital
Classification: Pathogenic for DOORS. Last evaluated: 2014-12-22. Review status: no assertion criteria provided. Collection method: literature only. Allele origin: germline. Affected: yes. Not counted in ClinVar's aggregate classification.

OMIM
Classification: Pathogenic for DEAFNESS, ONYCHODYSTROPHY, OSTEODYSTROPHY, IMPAIRED INTELLECTUAL DEVELOPMENT, AND SEIZURES SYNDROME. Last evaluated: 2014-01-01. Review status: no assertion criteria provided. Collection method: literature only. Allele origin: germline. Not counted in ClinVar's aggregate classification.

GeneReviews
No classification provided. Condition: DOORS syndrome. Review status: no classification provided. Collection method: literature only. Allele origin: germline. Not counted in ClinVar's aggregate classification.

Literature cited by the submitters: PubMed 27281533 (cited by 6 submitters); PubMed 24291220 (cited by 7 submitters); PubMed 28428906 (cited by OLLIN Analises Genomicas, OLLIN); PubMed 32004315 (cited by OLLIN Analises Genomicas, OLLIN and Dasa); PubMed 36147510 (cited by OLLIN Analises Genomicas, OLLIN); PubMed 31780880 (cited by 4 submitters); PubMed 30335140 (cited by 3 submitters); PubMed 30579089 (cited by Rady Children's Institute for Genomic Medicine, Rady Children's Hospital San Diego); PubMed 37996878 (cited by Rady Children's Institute for Genomic Medicine, Rady Children's Hospital San Diego and Variantyx, Inc.); PubMed 31112829 (cited by Dasa); PubMed 25169651 (cited by Lupski Lab, Baylor-Hopkins CMG, Baylor College of Medicine); PubMed 25719194 (cited by Lupski Lab, Baylor-Hopkins CMG, Baylor College of Medicine); NCBI Bookshelf NBK274566 (cited by GeneReviews).